The following is an entry in ClinVar:

NM_001164508.2(NEB):c.18261+1G>A

Gene: NEB (nebulin; minus strand). Cytogenetic location: 2q23.3.
Variant type: single nucleotide variant.
Coding change: c.18261+1G>A on transcript NM_001164508.2 (MANE Select); the canonical splice donor site of the intron after coding-DNA position 18261, G replaced by A.
Molecular consequence: splice donor variant.
Genome position (GRCh38, 1-based): chr2:151,565,715, C>T on the plus strand (G>A on the coding strand, the complement: NEB is on the minus strand). VCF-style: chr2-151565715-C-T. GRCh37 (hg19) VCF-style: chr2-152422229-C-T.
Other names: c.13158+1G>A (NM_004543.5); c.18261+1G>A (NM_001164507.2, NM_001271208.2).
Identifiers: ClinVar variation 2994013 (VCV002994013.3), dbSNP rs112544116, ClinGen allele CA57659139.

ClinVar aggregate classification (germline): Likely pathogenic (1 of 4 stars; one submission).

Conditions:
Nemaline myopathy 2 (NEM2). Also called: Nemaline myopathy 2, autosomal recessive. Identifiers: MedGen C1850569, MONDO:0009725, OMIM 256030.

Submission:

Labcorp Genetics (formerly Invitae), Labcorp
Classification: Likely pathogenic for Nemaline myopathy 2. Last evaluated: 2023-07-08. Review status: criteria provided, single submitter. Criteria: Invitae Variant Classification Sherloc (09022015). Collection method: clinical testing. Allele origin: germline.
Comment: This sequence change affects a donor splice site in intron 115 of the NEB gene. It is expected to disrupt RNA splicing. Variants that disrupt the donor or acceptor splice site typically lead to a loss of protein function (PMID: 16199547), and loss-of-function variants in NEB are known to be pathogenic (PMID: 25205138). This variant is not present in population databases (gnomAD no frequency). This variant has not been reported in the literature in individuals affected with NEB-related conditions. Algorithms developed to predict the effect of sequence changes on RNA splicing suggest that this variant may disrupt the consensus splice site. In summary, the currently available evidence indicates that the variant is pathogenic, but additional data are needed to prove that conclusively. Therefore, this variant has been classified as Likely Pathogenic.

Literature cited by the submitters: PubMed 16199547; PubMed 25205138.